The following is an entry in ClinVar:

ClinVar aggregate classification (germline): Uncertain significance (1 of 4 stars; one submission).

Conditions:
Pyogenic arthritis-pyoderma gangrenosum-acne syndrome (PAPA). Also called: FAMILIAL RECURRENT ARTHRITIS; PAPA SYNDROME. Identifiers: Orphanet 69126, MedGen C1858361, MONDO:0011462, OMIM 604416.

Submission:

Labcorp Genetics (formerly Invitae), Labcorp
Classification: Uncertain significance for Pyogenic arthritis-pyoderma gangrenosum-acne syndrome. Last evaluated: 2019-09-03. Review status: criteria provided, single submitter. Criteria: Invitae Variant Classification Sherloc (09022015). Collection method: clinical testing. Allele origin: germline.
Comment: Algorithms developed to predict the effect of missense changes on protein structure and function are either unavailable or do not agree on the potential impact of this missense change (SIFT: "Deleterious"; PolyPhen-2: "Probably Damaging"; Align-GVGD: "Class C0"). This variant has not been reported in the literature in individuals with PSTPIP1-related conditions. This variant is not present in population databases (ExAC no frequency). This sequence change replaces glycine with aspartic acid at codon 395 of the PSTPIP1 protein (p.Gly395Asp). The glycine residue is moderately conserved and there is a moderate physicochemical difference between glycine and aspartic acid. In summary, the available evidence is currently insufficient to determine the role of this variant in disease. Therefore, it has been classified as a Variant of Uncertain Significance.

NM_003978.5(PSTPIP1):c.1184G>A (p.Gly395Asp)

Gene: PSTPIP1 (proline-serine-threonine phosphatase interacting protein 1; plus strand). Cytogenetic location: 15q24.3.
Variant type: single nucleotide variant.
Coding change: c.1184G>A on transcript NM_003978.5 (MANE Select); coding-DNA position 1184, G replaced by A.
Protein change: p.Gly395Asp; replaces glycine 395 with aspartic acid.
Molecular consequence: missense variant. On other transcripts: non-coding transcript variant (1).
Genome position (GRCh38, 1-based): chr15:77,037,109, G>A. VCF-style: chr15-77037109-G-A. GRCh37 (hg19) VCF-style: chr15-77329450-G-A.
Other names: c.1127G>A, p.Gly376Asp (NM_001321135.2); c.1157G>A, p.Gly386Asp (NM_001321136.2); c.1379G>A, p.Gly460Asp (NM_001321137.1); short protein forms G386D, G376D, G460D, G395D.
Identifiers: ClinVar variation 961338 (VCV000961338.9), dbSNP rs2076598654, ClinGen allele CA393522055.